The following is an entry in ClinVar:

NM_021922.3(FANCE):c.733GGA[1] (p.Gly246del)

Gene: FANCE (FA complementation group E; plus strand). Cytogenetic location: 6p21.31.
Variant type: Microsatellite.
Coding change: c.733GGA[1] on transcript NM_021922.3 (MANE Select); one copy of the 3-base unit GGA starting at c.733; the reference has two copies in a row; one copy, 3 bases deleted.
Protein change: p.Gly246del; deletes glycine 246.
Molecular consequence: inframe deletion.
Genome position (GRCh38, 1-based): chr6:35,456,234-35,456,236, GGA deleted; deleting any 3 consecutive bases within chr6:35,456,231-35,456,236 gives the same sequence; the position shown is the placement nearest the transcript's 3' end. VCF-style (leftmost placement, unchanged base first): chr6-35456230-TGGA-T. GRCh37 (hg19) VCF-style: chr6-35424007-TGGA-T.
Other names: c.736_738delGGA (NM_021922.2); short protein forms G246del.
Identifiers: ClinVar variation 210982 (VCV000210982.48), dbSNP rs45451605, ClinGen allele CA208494.
Genomic context (GRCh38, chr6:35,456,230, plus strand): 5'-AGAGGAAGAAGATCATGAGAAGGAGAGACCCGAACATAAGTCACTGGAATCCCTGGCAGA[TGGA>T]GGAAGTGCATCTCCTATTAAGGACCAGCCTGTCATGGCAGTTAAGACTGGCGAGGACGGT-3'

ClinVar aggregate classification (germline): Benign/Likely benign. Review status: criteria provided, multiple submitters, no conflicts (2 of 4 stars). 8 submissions from 8 submitters: Benign (4); Likely benign (3). 1 of the submissions does not count toward it. Last evaluated 2026-09-01.

Conditions:
FANCE-related disorder. Also called: FANCE-related condition.
Fanconi anemia (FA). Also called: Fanconi's anemia. Identifiers: Orphanet 84, MedGen C0015625, MeSH D005199, MONDO:0019391.
Fanconi anemia complementation group E (FANCE). Also called: FANCE-Related Fanconi Anemia. Identifiers: Orphanet 84, MedGen C3160739, MONDO:0010953, OMIM 600901.

Submissions (8):

CeGaT Center for Human Genetics Tuebingen
Classification: Likely benign. Last evaluated: 2026-09-01. Review status: criteria provided, single submitter. Criteria: CeGaT Center For Human Genetics Tuebingen Variant Classification Criteria Version 2. Collection method: clinical testing. Allele origin: germline. Affected: yes. Observed: 16 variant alleles.
Comment: FANCE: PM4:Supporting, BS1

Labcorp Genetics (formerly Invitae), Labcorp
Classification: Benign for Fanconi anemia complementation group E. Last evaluated: 2026-01-31. Review status: criteria provided, single submitter. Criteria: Invitae Variant Classification Sherloc (09022015). Collection method: clinical testing. Allele origin: germline.

Blueprint Genetics
Classification: Likely benign. Last evaluated: 2024-11-11. Review status: criteria provided, single submitter. Criteria: ACMG Guidelines, 2015. Collection method: clinical testing. Allele origin: germline.

Fulgent Genetics
Classification: Likely benign for Fanconi anemia complementation group E. Last evaluated: 2021-07-06. Review status: criteria provided, single submitter. Criteria: ACMG Guidelines, 2015. Collection method: clinical testing. Allele origin: unknown.

GeneDx
Classification: Benign. Last evaluated: 2021-04-29. Review status: criteria provided, single submitter. Criteria: GeneDx Variant Classification Process June 2021. Collection method: clinical testing. Allele origin: germline. Affected: yes.
Comment: In-frame deletion of 1 amino acid in a non-repeat region; In silico analysis supports a deleterious effect on protein structure/function; This variant is associated with the following publications: (PMID: 28678401)

Sema4
Classification: Benign for Fanconi anemia. Last evaluated: 2020-10-29. Review status: criteria provided, single submitter. Criteria: Sema4 Curation Guidelines. Collection method: curation. Allele origin: germline.

Genetic Services Laboratory, University of Chicago
Classification: Benign. Last evaluated: 2019-07-22. Review status: criteria provided, single submitter. Criteria: ACMG Guidelines, 2015. Collection method: clinical testing. Allele origin: germline. Affected: no.

PreventionGenetics, part of Exact Sciences
Classification: Likely benign for FANCE-related condition. Last evaluated: 2019-12-02. Review status: no assertion criteria provided. Collection method: clinical testing. Allele origin: germline. Not counted in ClinVar's aggregate classification.
Comment: This variant is classified as likely benign based on ACMG/AMP sequence variant interpretation guidelines (Richards et al. 2015 PMID: 25741868, with internal and published modifications).